The following is an entry in ClinVar:

ClinVar aggregate classification (germline): Pathogenic (1 of 4 stars; one submission).

Conditions:
Spastic paraplegia. Identifiers: MedGen C0037772, HP:0001258.

Submission:

Labcorp Genetics (formerly Invitae), Labcorp
Classification: Pathogenic for Spastic paraplegia. Last evaluated: 2019-01-20. Review status: criteria provided, single submitter. Criteria: Invitae Variant Classification Sherloc (09022015). Collection method: clinical testing. Allele origin: germline.
Comment: This sequence change results in a premature translational stop signal in the SACS gene (p.Leu1724Phefs*17). While this is not anticipated to result in nonsense mediated decay, it is expected to disrupt the last 2,856 amino acids of the SACS protein. For these reasons, this variant has been classified as Pathogenic. This variant disrupts the C-terminus of the SACS protein. Other variant(s) that disrupt this region (p.Lys2931Asnfs*22, p.Ile2949Phefs*4, p.3903*) have been determined to be pathogenic (PMID: 15486997, 11788093, 10655055, 19892370, 21745802). This suggests that variants that disrupt this region of the protein are likely to be causative of disease. Experimental studies and prediction algorithms are not available for this variant, and the functional significance of the affected amino acid(s) is currently unknown. This variant has not been reported in the literature in individuals with SACS-related conditions. This variant is not present in population databases (ExAC no frequency).

Literature cited by the submitters: PubMed 15486997; PubMed 11788093; PubMed 10655055; PubMed 19892370; PubMed 21745802.

NM_014363.6(SACS):c.5172_5173delinsTGGAACACAAAG (p.Leu1724fs)

Gene: SACS (sacsin molecular chaperone; minus strand). Cytogenetic location: 13q12.12.
Variant type: Indel.
Coding change: c.5172_5173delinsTGGAACACAAAG on transcript NM_014363.6 (MANE Select); coding-DNA positions 5172 to 5173, GA replaced by TGGAACACAAAG.
Protein change: p.Leu1724fs; shifts the reading frame from leucine 1724.
Molecular consequence: frameshift variant.
Genome position (GRCh38, 1-based): chr13:23,338,703-23,338,704, TC replaced by CTTTGTGTTCCA on the plus strand (GA replaced by TGGAACACAAAG on the coding strand, the reverse complement: SACS is on the minus strand). VCF-style: chr13-23338703-TC-CTTTGTGTTCCA. GRCh37 (hg19) VCF-style: chr13-23912842-TC-CTTTGTGTTCCA.
Other names: c.4731_4732delinsTGGAACACAAAG, p.Leu1577fs (NM_001278055.2); short protein forms L1577fs, L1724fs.
Identifiers: ClinVar variation 964704 (VCV000964704.5), dbSNP rs1868900449, ClinGen allele CA1139663031.